The following is an entry in ClinVar:

NM_002397.5(MEF2C):c.258+2T>G

Gene: MEF2C (myocyte enhancer factor 2C; minus strand). Cytogenetic location: 5q14.3.
Variant type: single nucleotide variant.
Coding change: c.258+2T>G on transcript NM_002397.5 (MANE Select); the canonical splice donor site of the intron after coding-DNA position 258, T replaced by G.
Molecular consequence: splice donor variant.
Genome position (GRCh38, 1-based): chr5:88,804,596, A>C on the plus strand (T>G on the coding strand, the complement: MEF2C is on the minus strand). VCF-style: chr5-88804596-A-C. GRCh37 (hg19) VCF-style: chr5-88100413-A-C.
Other names: c.258+2T>G (NM_001364329.2, NM_001364330.2, NM_001364333.2 and 29 more transcripts).
Identifiers: ClinVar variation 449493 (VCV000449493.2), dbSNP rs1554139674, ClinGen allele CA360424751.
Genomic context (GRCh38, chr5:88,804,596, plus strand): 5'-AGGGGGAGGTCCAAACTCCCCTGCTTGCGGAGGCTTGGGGCTCACCACGCATGCTCTCTC[A>C]CCTCCACGATGTCTGAGTTTGTCCGGCTCTCATGCGGCTCGTTGTACTCCGTGTACTTGA-3'

ClinVar aggregate classification (germline): Pathogenic (1 of 4 stars; one submission).

Submission:

GeneDx
Classification: Pathogenic. Last evaluated: 2015-11-05. Review status: criteria provided, single submitter. Criteria: GeneDx Variant Classification (06012015). Collection method: clinical testing. Allele origin: germline. Affected: yes.
Comment: The c.258+2T>G pathogenic variant in the MEF2C gene has not been reported previously as a pathogenic variant nor as a benign variant, to our knowledge. This splice site variant destroys the canonical splice donor site in intron 3. It is predicted to cause abnormal gene splicing, either leading to an abnormal message that is subject to nonsense-mediated mRNA decay, or to an abnormal protein product if the message is used for protein translation. The c.258+2T>G variant was not observed in approximately 6500 individuals of European and African American ancestry in the NHLBI Exome Sequencing Project, indicating it is not a common benign variant in these populations. We interpret c.258+2T>G as a pathogenic variant.